The following is an entry in ClinVar:

NM_006904.7(PRKDC):c.3753G>C (p.Gln1251His)

Gene: PRKDC (protein kinase, DNA-activated, catalytic subunit; minus strand). Cytogenetic location: 8q11.21.
Variant type: single nucleotide variant.
Coding change: c.3753G>C on transcript NM_006904.7 (MANE Select); coding-DNA position 3753, G replaced by C.
Protein change: p.Gln1251His; replaces glutamine 1251 with histidine.
Molecular consequence: missense variant.
Genome position (GRCh38, 1-based): chr8:47,893,233, C>G on the plus strand (G>C on the coding strand, the complement: PRKDC is on the minus strand). VCF-style: chr8-47893233-C-G. GRCh37 (hg19) VCF-style: chr8-48805794-C-G.
Other names: c.3753G>C, p.Gln1251His (NM_001081640.2); short protein forms Q1251H.
Identifiers: ClinVar variation 1734583 (VCV001734583.2), dbSNP rs1279754974, ClinGen allele CA371150413.
Genomic context (GRCh38, chr8:47,893,233, plus strand): 5'-AATGAACGTGTTGTAGCACTCCAACGCGGCCAGGAGCAGGTCCAGCCAGCATAGCGTGGC[C>G]TGCAGGCTGAATGGCCCCCGAAGGTACAAGAGGGTGGGCTGGGCCAGGATGCCCGAGGGC-3'
Protein context (NP_008835.5, residues 1241-1261): LLYLRGPFSL[Gln1251His]ATLCWLDLLL

ClinVar aggregate classification (germline): Uncertain significance (1 of 4 stars; one submission).

Submission:

Ambry Genetics
Classification: Uncertain significance. Last evaluated: 2021-12-20. Review status: criteria provided, single submitter. Criteria: Ambry Variant Classification Scheme 2023. Collection method: clinical testing. Allele origin: germline.
Comment: The p.Q1251H variant (also known as c.3753G>C), located in coding exon 31 of the PRKDC gene, results from a G to C substitution at nucleotide position 3753. The glutamine at codon 1251 is replaced by histidine, an amino acid with highly similar properties. This amino acid position is conserved. In addition, this alteration is predicted to be tolerated by in silico analysis. Since supporting evidence is limited at this time, the clinical significance of this alteration remains unclear.